The following is an entry in ClinVar:

ClinVar aggregate classification (germline): Uncertain significance (1 of 4 stars; one submission).

Conditions:
Gastrointestinal stromal tumor. Also called: Gastrointestinal stromal tumor, somatic; Gastrointestinal stroma tumor. Identifiers: Orphanet 44890, MedGen C0238198, MeSH D046152, MONDO:0011719, OMIM 606764, HP:0100723.

Submission:

Labcorp Genetics (formerly Invitae), Labcorp
Classification: Uncertain significance for Gastrointestinal stromal tumor. Last evaluated: 2025-01-01. Review status: criteria provided, single submitter. Criteria: Invitae Variant Classification Sherloc (09022015). Collection method: clinical testing. Allele origin: germline.
Comment: This sequence change replaces serine, which is neutral and polar, with tyrosine, which is neutral and polar, at codon 821 of the KIT protein (p.Ser821Tyr). This variant is not present in population databases (gnomAD no frequency). This variant has not been reported in the literature in individuals affected with KIT-related conditions. An algorithm developed to predict the effect of missense changes on protein structure and function (PolyPhen-2) suggests that this variant is likely to be disruptive. In summary, the available evidence is currently insufficient to determine the role of this variant in disease. Therefore, it has been classified as a Variant of Uncertain Significance.

NM_000222.3(KIT):c.2462C>A (p.Ser821Tyr)

Gene: KIT (KIT proto-oncogene, receptor tyrosine kinase; plus strand). Cytogenetic location: 4q12.
Variant type: single nucleotide variant.
Coding change: c.2462C>A on transcript NM_000222.3 (MANE Select); coding-DNA position 2462, C replaced by A.
Protein change: p.Ser821Tyr; replaces serine 821 with tyrosine.
Molecular consequence: missense variant.
Genome position (GRCh38, 1-based): chr4:54,733,170, C>A. VCF-style: chr4-54733170-C-A. GRCh37 (hg19) VCF-style: chr4-55599336-C-A.
Other names: c.2450C>A, p.Ser817Tyr (NM_001093772.2, NM_001385292.1); c.2465C>A, p.Ser822Tyr (NM_001385284.1); c.2459C>A, p.Ser820Tyr (NM_001385285.1); c.2447C>A, p.Ser816Tyr (NM_001385286.1); c.2453C>A, p.Ser818Tyr (NM_001385288.1); c.2462C>A, p.Ser821Tyr (NM_001385290.1); short protein forms S817Y, S818Y, S816Y, S822Y, S820Y, S821Y.
Identifiers: ClinVar variation 3728388 (VCV003728388.2).
Genomic context (GRCh38, chr4:54,733,170, plus strand): 5'-CTCATGGTCGGATCACAAAGATTTGTGATTTTGGTCTAGCCAGAGACATCAAGAATGATT[C>A]TAATTATGTGGTTAAAGGAAACGTGAGTACCCATTCTCTGCTTGACAGTCCTGCAAAGGA-3'
Protein context (NP_000213.1, residues 811-831): FGLARDIKND[Ser821Tyr]NYVVKGNARL